The following is an entry in ClinVar:

NM_080632.3(UPF3B):c.776G>A (p.Arg259Lys)

Gene: UPF3B (UPF3B regulator of nonsense mediated mRNA decay; minus strand). Cytogenetic location: Xq24.
Variant type: single nucleotide variant.
Coding change: c.776G>A on transcript NM_080632.3 (MANE Select); coding-DNA position 776, G replaced by A.
Protein change: p.Arg259Lys; replaces arginine 259 with lysine.
Molecular consequence: missense variant.
Genome position (GRCh38, 1-based): chrX:119,841,107, C>T on the plus strand (G>A on the coding strand, the complement: UPF3B is on the minus strand). VCF-style: chrX-119841107-C-T. GRCh37 (hg19) VCF-style: chrX-118975070-C-T.
Other names: c.776G>A, p.Arg259Lys (NM_023010.4); short protein forms R259K.
Identifiers: ClinVar variation 4634178 (VCV004634178.3).

ClinVar aggregate classification (germline): Uncertain significance. Review status: criteria provided, multiple submitters, no conflicts (2 of 4 stars). 3 submissions from 3 submitters: Uncertain significance (3). Last evaluated 2026-02-04.

Conditions:
Intellectual developmental disorder, X-linked, syndromic 14. Also called: Syndromic X-linked intellectual disability 14. Identifiers: Orphanet 776, MedGen C1970822, MONDO:0010398, OMIM 300676.
Inborn genetic diseases. Identifiers: MedGen C0950123, MeSH D030342.

gnomAD v4.1: 7 of 1,207,278 alleles (0.00058%); highest among the groups gnomAD compares: African/African-American, 0.012%; no homozygotes.

Submissions (3):

Women's Health and Genetics/Laboratory Corporation of America, LabCorp
Classification: Uncertain significance. Last evaluated: 2026-02-04. Review status: criteria provided, single submitter. Criteria: LabCorp Variant Classification Summary - May 2015. Collection method: clinical testing. Allele origin: germline.
Comment: Variant summary: UPF3B c.776G>A (p.Arg259Lys) results in a conservative amino acid change in the encoded protein sequence. Algorithms developed to predict the effect of missense changes on protein structure and function are either unavailable or do not agree on the potential impact of this missense change. The variant was absent in 179041 control chromosomes. The available data on variant occurrences in the general population are insufficient to allow any conclusion about variant significance. To our knowledge, no occurrence of c.776G>A in individuals affected with UPF3B-related conditions and no experimental evidence demonstrating its impact on protein function have been reported. ClinVar contains an entry for this variant (Variation ID: 4634178). Based on the evidence outlined above, the variant was classified as uncertain significance.

Labcorp Genetics (formerly Invitae), Labcorp
Classification: Uncertain significance for Intellectual developmental disorder, X-linked, syndromic 14. Last evaluated: 2025-11-12. Review status: criteria provided, single submitter. Criteria: Invitae Variant Classification Sherloc (09022015). Collection method: clinical testing. Allele origin: germline.
Comment: This sequence change replaces arginine, which is basic and polar, with lysine, which is basic and polar, at codon 259 of the UPF3B protein (p.Arg259Lys). This variant is not present in population databases (gnomAD no frequency). This variant has not been reported in the literature in individuals affected with UPF3B-related conditions. Invitae Evidence Modeling of protein sequence and biophysical properties (such as structural, functional, and spatial information, amino acid conservation, physicochemical variation, residue mobility, and thermodynamic stability) indicates that this missense variant is not expected to disrupt UPF3B protein function with a negative predictive value of 80%. In summary, the available evidence is currently insufficient to determine the role of this variant in disease. Therefore, it has been classified as a Variant of Uncertain Significance.

Ambry Genetics
Classification: Uncertain significance for Inborn genetic diseases. Last evaluated: 2025-10-15. Review status: criteria provided, single submitter. Criteria: Ambry Variant Classification Scheme 2023. Collection method: clinical testing. Allele origin: germline.